The following is an entry in ClinVar:

ClinVar aggregate classification (germline): Likely benign. Review status: criteria provided, multiple submitters, no conflicts (2 of 4 stars). 3 submissions from 3 submitters: Likely benign (2). 1 of the submissions does not count toward it. Last evaluated 2025-10-15.

Conditions:
Fanconi anemia (FA). Also called: Fanconi's anemia. Identifiers: Orphanet 84, MedGen C0015625, MeSH D005199, MONDO:0019391.
FANCM-related disorder. Also called: FANCM-related condition.
Inborn genetic diseases. Identifiers: MedGen C0950123, MeSH D030342.

Allele frequency attached by ClinVar (database versions not stated): gnomAD exomes 0.00001.
gnomAD v4.1: 5 of 1,614,116 alleles (0.00031%); highest among the groups gnomAD compares: Non-Finnish European, 0.00042%; no homozygotes.

Submissions (3):

Ambry Genetics
Classification: Likely benign for Inborn genetic diseases. Last evaluated: 2025-10-15. Review status: criteria provided, single submitter. Criteria: Ambry Variant Classification Scheme 2023. Collection method: clinical testing. Allele origin: germline.

Labcorp Genetics (formerly Invitae), Labcorp
Classification: Likely benign for Fanconi anemia. Last evaluated: 2022-07-05. Review status: criteria provided, single submitter. Criteria: Invitae Variant Classification Sherloc (09022015). Collection method: clinical testing. Allele origin: germline.

PreventionGenetics, part of Exact Sciences
Classification: Likely benign for FANCM-related condition. Last evaluated: 2019-03-28. Review status: no assertion criteria provided. Collection method: clinical testing. Allele origin: germline. Not counted in ClinVar's aggregate classification.
Comment: This variant is classified as likely benign based on ACMG/AMP sequence variant interpretation guidelines (Richards et al. 2015 PMID: 25741868, with internal and published modifications).

NM_020937.4(FANCM):c.3321A>G (p.Ala1107=)

Gene: FANCM (FA complementation group M; plus strand). Cytogenetic location: 14q21.2.
Variant type: single nucleotide variant.
Coding change: c.3321A>G on transcript NM_020937.4 (MANE Select); coding-DNA position 3321, A replaced by G.
Protein change: p.Ala1107=; no amino-acid change (alanine 1107 retained).
Molecular consequence: synonymous variant.
Genome position (GRCh38, 1-based): chr14:45,176,075, A>G. VCF-style: chr14-45176075-A-G. GRCh37 (hg19) VCF-style: chr14-45645278-A-G.
Other names: c.3321A>G (NM_020937.2, NM_020937.3); c.3243A>G, p.Ala1081= (NM_001308133.2).
Identifiers: ClinVar variation 1159200 (VCV001159200.12), dbSNP rs2139247556, ClinGen allele CA486347054.
Genomic context (GRCh38, chr14:45,176,075, plus strand): 5'-ACATAATCAAAATGAAAATTTAGTACCTAACAATCGTGTTCAAATACACAGAAGCCCTGC[A>G]CAGAATTTAGTTGGAGAGAACAATCATGATGTTGATAACAGTGACCTCCCAGTATTGTCC-3'
Protein context (NP_065988.1, residues 1097-1117): NNRVQIHRSP[Ala1107=]QNLVGENNHD